The following is an entry in ClinVar:

ClinVar aggregate classification (germline): Uncertain significance (1 of 4 stars; one submission).

Allele frequency attached by ClinVar (database versions not stated): gnomAD exomes below 0.00001; gnomAD 0.00001; TOPMed 0.00001.
gnomAD v4.1: 4 of 1,478,338 alleles (0.00027%); highest among the groups gnomAD compares: Admixed American, 0.0075%; no homozygotes.

Submission:

Labcorp Genetics (formerly Invitae), Labcorp
Classification: Uncertain significance. Last evaluated: 2022-07-06. Review status: criteria provided, single submitter. Criteria: Invitae Variant Classification Sherloc (09022015). Collection method: clinical testing. Allele origin: germline.
Comment: In summary, the available evidence is currently insufficient to determine the role of this variant in disease. Therefore, it has been classified as a Variant of Uncertain Significance. Algorithms developed to predict the effect of missense changes on protein structure and function (SIFT, PolyPhen-2, Align-GVGD) all suggest that this variant is likely to be tolerated. ClinVar contains an entry for this variant (Variation ID: 1370764). This variant has not been reported in the literature in individuals affected with SPEG-related conditions. This variant is present in population databases (no rsID available, gnomAD 0.008%). This sequence change replaces alanine, which is neutral and non-polar, with valine, which is neutral and non-polar, at codon 651 of the SPEG protein (p.Ala651Val).

NM_005876.5(SPEG):c.1952C>T (p.Ala651Val)

Gene: SPEG (striated muscle enriched protein kinase; plus strand). Cytogenetic location: 2q35.
Variant type: single nucleotide variant.
Coding change: c.1952C>T on transcript NM_005876.5 (MANE Select); coding-DNA position 1952, C replaced by T.
Protein change: p.Ala651Val; replaces alanine 651 with valine.
Molecular consequence: missense variant.
Genome position (GRCh38, 1-based): chr2:219,449,110, C>T. VCF-style: chr2-219449110-C-T. GRCh37 (hg19) VCF-style: chr2-220313832-C-T.
Other names: short protein forms A651V.
Identifiers: ClinVar variation 1370764 (VCV001370764.8), dbSNP rs1278710379, ClinGen allele CA350725410.
Genomic context (GRCh38, chr2:219,449,110, plus strand): 5'-GGGAGCCCCCGGCGCAGGCCGTGCGCTTCCTGCCCTGGGCCACGCCGGGCCTGGAGGGCG[C>T]TGCTGTACCCCAGACCTTGGAGAAGAACAGGGCGGGGCCTGAGGCAGAGAAGAGGCTTCG-3'
Protein context (NP_005867.3, residues 641-661): LPWATPGLEG[Ala651Val]AVPQTLEKNR